The following is an entry in ClinVar:

ClinVar aggregate classification (germline): Conflicting classifications of pathogenicity. Review status: criteria provided, conflicting classifications (1 of 4 stars). 6 submissions from 5 submitters: Uncertain significance (2); Benign (1); Likely benign (3). Last evaluated 2024-10-16.

Conditions:
Wolfram syndrome 1 (WFS1). Identifiers: Orphanet 3463, MedGen C4551693, MONDO:0009101, OMIM 222300.
WFS1-Related Spectrum Disorders.
Autosomal dominant nonsyndromic hearing loss 6 (LFSNHL). Also called: Autosomal dominant nonsyndromic deafness 6; DEAFNESS, AUTOSOMAL DOMINANT 14; DEAFNESS, AUTOSOMAL DOMINANT 38; DEAFNESS, AUTOSOMAL DOMINANT 6. Identifiers: Orphanet 90635, MedGen C1833021, MONDO:0010963, OMIM 600965.

Allele frequency attached by ClinVar (database versions not stated): gnomAD 0.00003; TOPMed 0.00005.
gnomAD v4.1: 60 of 1,614,058 alleles (0.0037%); highest among the groups gnomAD compares: Admixed American, 0.0083%; no homozygotes.

Submissions (6):

Labcorp Genetics (formerly Invitae), Labcorp
Classification: Likely benign. Last evaluated: 2024-10-16. Review status: criteria provided, single submitter. Criteria: Invitae Variant Classification Sherloc (09022015). Collection method: clinical testing. Allele origin: germline.

Blueprint Genetics
Classification: Likely benign. Last evaluated: 2022-12-09. Review status: criteria provided, single submitter. Criteria: ACMG Guidelines, 2015. Collection method: clinical testing. Allele origin: germline.

GeneDx
Classification: Likely benign. Last evaluated: 2019-10-09. Review status: criteria provided, single submitter. Criteria: GeneDx Variant Classification Process June 2021. Collection method: clinical testing. Allele origin: germline. Affected: yes.

Illumina Laboratory Services, Illumina
Classification: Uncertain significance for Autosomal dominant nonsyndromic hearing loss 6. Last evaluated: 2017-04-27. Review status: criteria provided, single submitter. Criteria: ICSL Variant Classification Criteria 13 December 2019. Collection method: clinical testing. Allele origin: germline.

Illumina Laboratory Services, Illumina
Classification: Uncertain significance for WFS1-Related Spectrum Disorders. Last evaluated: 2017-04-27. Review status: criteria provided, single submitter. Criteria: ICSL Variant Classification Criteria 13 December 2019. Collection method: clinical testing. Allele origin: germline.

Clinical Genomics, Uppaluri K&H Personalized Medicine Clinic
Classification: Benign for Wolfram syndrome 1. Review status: criteria provided, single submitter. Criteria: K & H Uppaluri Personalized Medicine Clinic Variant Classification & Assertion Criteria_Updated V.1. Collection method: research. Allele origin: unknown. Inheritance: Autosomal recessive inheritance.
Comment: Potent mutations in WFS1 gene are associated with Wolfram's syndrome, an autosomal recessive condition, which cause diabetes mellitus, diabetes insipidus, deafness and optic atrophy.However no sufficient evidence is found to ascertain the role of this particular variant rs748103155 in Wolfram's syndrome yet.

Literature cited by the submitters: PubMed 20738327 (cited by Clinical Genomics, Uppaluri K&H Personalized Medicine Clinic); PubMed 33879153 (cited by Clinical Genomics, Uppaluri K&H Personalized Medicine Clinic); PubMed 12955714 (cited by Clinical Genomics, Uppaluri K&H Personalized Medicine Clinic); PubMed 18060660 (cited by Clinical Genomics, Uppaluri K&H Personalized Medicine Clinic); PubMed 20301750 (cited by Clinical Genomics, Uppaluri K&H Personalized Medicine Clinic); PubMed 17603484 (cited by Clinical Genomics, Uppaluri K&H Personalized Medicine Clinic).

NM_006005.3(WFS1):c.1263C>T (p.Ile421=)

Gene: WFS1 (wolframin ER transmembrane glycoprotein; plus strand). Cytogenetic location: 4p16.1.
Variant type: single nucleotide variant.
Coding change: c.1263C>T on transcript NM_006005.3 (MANE Select); coding-DNA position 1263, C replaced by T.
Protein change: p.Ile421=; no amino-acid change (isoleucine 421 retained).
Molecular consequence: synonymous variant.
Genome position (GRCh38, 1-based): chr4:6,301,058, C>T. VCF-style: chr4-6301058-C-T. GRCh37 (hg19) VCF-style: chr4-6302785-C-T.
Other names: c.1263C>T, p.Ile421= (NM_001145853.1).
Identifiers: ClinVar variation 761794 (VCV000761794.16), dbSNP rs748103155, ClinGen allele CA2839288.